The following is an entry in ClinVar:

ClinVar aggregate classification (germline): Uncertain significance. Review status: criteria provided, multiple submitters, no conflicts (2 of 4 stars). 2 submissions from 2 submitters: Uncertain significance (2). Last evaluated 2022-08-31.

Conditions:
Charcot-Marie-Tooth disease axonal type 2CC. Also called: CHARCOT-MARIE-TOOTH NEUROPATHY, TYPE 2CC. Identifiers: MedGen C4310790, MONDO:0014836, OMIM 616924.

Allele frequency attached by ClinVar (database versions not stated): gnomAD 0.00001.
gnomAD v4.1: 1 of 1,614,058 alleles (0.000062%); highest among the groups gnomAD compares: African/African-American, 0.0013%; no homozygotes.

Submissions (2):

Labcorp Genetics (formerly Invitae), Labcorp
Classification: Uncertain significance. Last evaluated: 2022-08-31. Review status: criteria provided, single submitter. Criteria: Invitae Variant Classification Sherloc (09022015). Collection method: clinical testing. Allele origin: germline.
Comment: In summary, the available evidence is currently insufficient to determine the role of this variant in disease. Therefore, it has been classified as a Variant of Uncertain Significance. This variant has not been reported in the literature in individuals affected with NEFH-related conditions. This variant is not present in population databases (gnomAD no frequency). This sequence change creates a premature translational stop signal (p.Arg383*) in the NEFH gene. It is expected to result in an absent or disrupted protein product. However, the current clinical and genetic evidence is not sufficient to establish whether loss-of-function variants in NEFH cause disease.

Revvity Omics, Revvity
Classification: Uncertain significance for Charcot-Marie-Tooth disease axonal type 2CC. Last evaluated: 2021-11-22. Review status: criteria provided, single submitter. Criteria: ACMG Guidelines, 2015. Collection method: clinical testing. Allele origin: germline.

NM_021076.4(NEFH):c.1147C>T (p.Arg383Ter)

Gene: NEFH (neurofilament heavy chain; plus strand). Cytogenetic location: 22q12.2.
Variant type: single nucleotide variant.
Coding change: c.1147C>T on transcript NM_021076.4 (MANE Select); coding-DNA position 1147, C replaced by T.
Protein change: p.Arg383Ter; replaces arginine 383 with a stop codon.
Molecular consequence: nonsense.
Genome position (GRCh38, 1-based): chr22:29,485,786, C>T. VCF-style: chr22-29485786-C-T. GRCh37 (hg19) VCF-style: chr22-29881775-C-T.
Other names: short protein forms R383*.
Identifiers: ClinVar variation 2175121 (VCV002175121.7), dbSNP rs2063040819, ClinGen allele CA411127079.